The following is an entry in ClinVar:

NM_201384.3(PLEC):c.2231C>T (p.Ala744Val)

Gene: PLEC (plectin; minus strand). Cytogenetic location: 8q24.3.
Variant type: single nucleotide variant.
Coding change: c.2231C>T on transcript NM_201384.3 (MANE Select); coding-DNA position 2231, C replaced by T.
Protein change: p.Ala744Val; replaces alanine 744 with valine.
Molecular consequence: missense variant.
Genome position (GRCh38, 1-based): chr8:143,931,607, G>A on the plus strand (C>T on the coding strand, the complement: PLEC is on the minus strand). VCF-style: chr8-143931607-G-A. GRCh37 (hg19) VCF-style: chr8-145005775-G-A.
Other names: c.2312C>T, p.Ala771Val (NM_000445.5); c.2189C>T, p.Ala730Val (NM_201378.4); c.2165C>T, p.Ala722Val (NM_201379.3); c.2642C>T, p.Ala881Val (NM_201380.4); c.2135C>T, p.Ala712Val (NM_201381.3); c.2231C>T, p.Ala744Val (NM_201382.4); c.2243C>T, p.Ala748Val (NM_201383.3); short protein forms A730V, A748V, A771V, A712V, A722V, A744V, A881V.
Identifiers: ClinVar variation 663299 (VCV000663299.2), dbSNP rs1587061761, ClinGen allele CA372576399.

ClinVar aggregate classification (germline): Uncertain significance. Review status: criteria provided, multiple submitters, no conflicts (2 of 4 stars). 2 submissions from 2 submitters: Uncertain significance (2). Last evaluated 2022-06-15.

Conditions:
Autosomal recessive limb-girdle muscular dystrophy type 2Q (LGMDR17). Also called: MUSCULAR DYSTROPHY, LIMB-GIRDLE, AUTOSOMAL RECESSIVE 17. Identifiers: Orphanet 254361, MedGen C3150989, MONDO:0013390, OMIM 613723.
Epidermolysis bullosa simplex 5B, with muscular dystrophy (EBS5B). Also called: EPIDERMOLYSIS BULLOSA SIMPLEX AND LIMB-GIRDLE MUSCULAR DYSTROPHY; Epidermolysis bullosa simplex with muscular dystrophy. Identifiers: Orphanet 257, MedGen C2931072, MONDO:0009181, OMIM 226670.
Epidermolysis bullosa simplex 5C, with pyloric atresia (EBS5C). Also called: PLEC-Related Epidermolysis Bullosa with Pyloric Atresia; Epidermolysis bullosa simplex with pyloric atresia; PLEC1-Related Epidermolysis Bullosa with Pyloric Atresia. Identifiers: Orphanet 158684, MedGen C2677349, MONDO:0012807, OMIM 612138.
Epidermolysis bullosa simplex with nail dystrophy (EBS5D). Identifiers: MedGen C4225309, MONDO:0014661, OMIM 616487.
Epidermolysis bullosa simplex, Ogna type (EBS5A). Also called: Pidermolysis bullosa simplex 5A, Ogna type; EPIDERMOLYSIS BULLOSA SIMPLEX 5A, OGNA TYPE. Identifiers: Orphanet 79401, MedGen C0432317, MONDO:0007555, OMIM 131950.

Submissions (2):

Blueprint Genetics
Classification: Uncertain significance. Last evaluated: 2022-06-15. Review status: criteria provided, single submitter. Criteria: ACMG Guidelines, 2015. Collection method: clinical testing. Allele origin: germline.

Labcorp Genetics (formerly Invitae), Labcorp
Classification: Uncertain significance for Limb-girdle muscular dystrophy, type 2Q; Epidermolysis bullosa simplex, Ogna type; Epidermolysis bullosa simplex with nail dystrophy; Epidermolysis bullosa simplex with pyloric atresia; Epidermolysa bullosa simplex and limb girdle muscular dystrophy. Last evaluated: 2018-08-22. Review status: criteria provided, single submitter. Criteria: Invitae Variant Classification Sherloc (09022015). Collection method: clinical testing. Allele origin: germline.
Comment: This sequence change replaces alanine with valine at codon 771 of the PLEC protein (p.Ala771Val). The alanine residue is weakly conserved and there is a small physicochemical difference between alanine and valine. This variant is not present in population databases (ExAC no frequency). This variant has not been reported in the literature in individuals with PLEC-related disease. Algorithms developed to predict the effect of sequence changes on RNA splicing suggest that this variant may create or strengthen a splice site, but this prediction has not been confirmed by published transcriptional studies. In summary, the available evidence is currently insufficient to determine the role of this variant in disease. Therefore, it has been classified as a Variant of Uncertain Significance.